The following is an entry in ClinVar:

ClinVar aggregate classification (germline): Likely benign. Review status: criteria provided, multiple submitters, no conflicts (2 of 4 stars). 4 submissions from 4 submitters: Likely benign (4). Last evaluated 2025-06-29.

Conditions:
Cardiac arrhythmia. Also called: Arrhythmia; Cardiac rhythm disease. Identifiers: MedGen C0003811, MONDO:0007263, HP:0011675.
Long QT syndrome (LQTS). Identifiers: MedGen C0023976, MeSH D008133, MONDO:0002442. Disease mechanism: loss of function. Inheritance: Various modes of inheritance.

Allele frequency attached by ClinVar (database versions not stated): gnomAD 0.00001; gnomAD exomes 0.00001; TOPMed below 0.00001.
gnomAD v4.1: 8 of 1,613,718 alleles (0.0005%); highest among the groups gnomAD compares: Middle Eastern, 0.033%; no homozygotes.

Submissions (4):

Labcorp Genetics (formerly Invitae), Labcorp
Classification: Likely benign for Long QT syndrome. Last evaluated: 2025-06-29. Review status: criteria provided, single submitter. Criteria: Invitae Variant Classification Sherloc (09022015). Collection method: clinical testing. Allele origin: germline.

All of Us Research Program, National Institutes of Health
Classification: Likely benign for Long QT syndrome. Last evaluated: 2023-12-01. Review status: criteria provided, single submitter. Criteria: ACMG Guidelines, 2015. Collection method: clinical testing. Allele origin: germline. Inheritance: Autosomal dominant inheritance. Observed: 2 variant alleles, 2 heterozygotes.
Comment: This study involves interpretation of variants in research participants for the purpose of population health screening. Participant phenotype was not available at the time of variant classification. Additional details can be found in publication PMID: 35346344, PMCID: PMC8962531

Color Diagnostics, LLC DBA Color Health
Classification: Likely benign for Arrhythmia. Last evaluated: 2020-01-15. Review status: criteria provided, single submitter. Criteria: ACMG Guidelines, 2015. Collection method: clinical testing. Allele origin: germline.

PreventionGenetics, part of Exact Sciences
Classification: Likely benign. Review status: criteria provided, single submitter. Criteria: ACMG Guidelines, 2015. Collection method: clinical testing. Allele origin: germline.

NM_000218.3(KCNQ1):c.1140G>A (p.Arg380=)

Gene: KCNQ1 (potassium voltage-gated channel subfamily Q member 1; plus strand). Cytogenetic location: 11p15.5.
Variant type: single nucleotide variant.
Coding change: c.1140G>A on transcript NM_000218.3 (MANE Select); coding-DNA position 1140, G replaced by A.
Protein change: p.Arg380=; no amino-acid change (arginine 380 retained).
Molecular consequence: synonymous variant.
Genome position (GRCh38, 1-based): chr11:2,587,581, G>A. VCF-style: chr11-2587581-G-A. GRCh37 (hg19) VCF-style: chr11-2608811-G-A.
Other names: c.1044G>A, p.Arg348= (NM_001406836.1); c.870G>A, p.Arg290= (NM_001406837.1); c.600G>A, p.Arg200= (NM_001406838.1); c.759G>A, p.Arg253= (NM_181798.2).
Identifiers: ClinVar variation 255566 (VCV000255566.16), dbSNP rs199472771, ClinGen allele CA10587113.